The following is an entry in ClinVar:

ClinVar aggregate classification (germline): Pathogenic (1 of 4 stars; one submission).

Submission:

Labcorp Genetics (formerly Invitae), Labcorp
Classification: Pathogenic. Last evaluated: 2022-06-13. Review status: criteria provided, single submitter. Criteria: Invitae Variant Classification Sherloc (09022015). Collection method: clinical testing. Allele origin: germline.
Comment: For these reasons, this variant has been classified as Pathogenic. This variant disrupts the triple helix domain of COL4A5. Glycine residues within the Gly-Xaa-Yaa repeats of the triple helix domain are required for the structure and stability of fibrillar collagens (PMID: 7695699, 8218237, 19344236). In COL4A5, missense variants at these glycine residues are significantly enriched in individuals with disease (PMID: 23720012, 27627812) compared to the general population (ExAC). A similar copy number variant has been observed in individual(s) with clinical features of Alport syndrome (PMID: 8599366). This variant is a gross deletion of the genomic region encompassing exon(s) 17 of the COL4A5 gene. This variant would be expected to be in-frame, preserving the integrity of the reading frame.

Literature cited by the submitters: PubMed 7695699; PubMed 8218237; PubMed 19344236; PubMed 23720012; PubMed 27627812; PubMed 8599366.

NC_000023.10:g.(?_107826094)_(107826187_?)del

Gene: COL4A5 (collagen type IV alpha 5 chain; plus strand). Cytogenetic location: Xq22.3.
Variant type: Deletion.
Identifiers: ClinVar variation 1457565 (VCV001457565.7).